The following is an entry in ClinVar:

NM_172107.4(KCNQ2):c.2571C>T (p.Thr857=)

Gene: KCNQ2 (potassium voltage-gated channel subfamily Q member 2; minus strand). Cytogenetic location: 20q13.33.
Variant type: single nucleotide variant.
Coding change: c.2571C>T on transcript NM_172107.4 (MANE Select); coding-DNA position 2571, C replaced by T.
Protein change: p.Thr857=; no amino-acid change (threonine 857 retained).
Molecular consequence: synonymous variant.
Genome position (GRCh38, 1-based): chr20:63,406,692, G>A on the plus strand (C>T on the coding strand, the complement: KCNQ2 is on the minus strand). VCF-style: chr20-63406692-G-A. GRCh37 (hg19) VCF-style: chr20-62038045-G-A.
Other names: p.T857T:ACC>ACT; c.2625C>T, p.Thr875= (NM_001382235.1); c.2514C>T, p.Thr838= (NM_001439003.1); c.2484C>T, p.Thr828= (NM_001439004.1); c.2487C>T, p.Thr829= (NM_004518.6); c.2517C>T, p.Thr839= (NM_172106.3); c.2478C>T, p.Thr826= (NM_172108.5).
Identifiers: ClinVar variation 205853 (VCV000205853.73), dbSNP rs764525788, ClinGen allele CA315327.
Genomic context (GRCh38, chr20:63,406,692, plus strand): 5'-CCCAGCGCCGCCTCACTTCCTGGGCCCGGCCCAGCCCACGTCACCAAAGGGACCCTCGCC[G>A]GTGGCCGAGCGTGGCGGGGGCCCGCACGGGGTACAGAGGTCGGAGTCGGTGTCTGACTCT-3'
Protein context (NP_742105.1, residues 847-867): TPCGPPPRSA[Thr857=]GEGPFGDVGW

ClinVar aggregate classification (germline): Benign/Likely benign. Review status: criteria provided, multiple submitters, no conflicts (2 of 4 stars). 5 submissions from 5 submitters: Benign (1); Likely benign (4). Last evaluated 2026-04-01.

Conditions:
Early-infantile DEE. Also called: Early infantile epileptic encephalopathy; Ohtahara syndrome; Early infantile epileptic encephalopathy with suppression bursts. Identifiers: Orphanet 1934, MedGen C0393706, MONDO:0800491.
Inborn genetic diseases. Identifiers: MedGen C0950123, MeSH D030342.

Allele frequency attached by ClinVar (database versions not stated): gnomAD 0.00010; gnomAD exomes 0.00012 and 0.00008; TOPMed 0.00009; ExAC 0.00023.
gnomAD v4.1: 128 of 1,606,014 alleles (0.008%); highest among the groups gnomAD compares: East Asian, 0.02%; no homozygotes.

Submissions (5):

CeGaT Center for Human Genetics Tuebingen
Classification: Likely benign. Last evaluated: 2026-04-01. Review status: criteria provided, single submitter. Criteria: CeGaT Center For Human Genetics Tuebingen Variant Classification Criteria Version 2. Collection method: clinical testing. Allele origin: germline. Affected: yes. Observed: 2 variant alleles.
Comment: KCNQ2: BP4, BP7

Labcorp Genetics (formerly Invitae), Labcorp
Classification: Likely benign for Early-infantile DEE. Last evaluated: 2025-11-02. Review status: criteria provided, single submitter. Criteria: Invitae Variant Classification Sherloc (09022015). Collection method: clinical testing. Allele origin: germline.

Blueprint Genetics
Classification: Likely benign. Last evaluated: 2024-10-23. Review status: criteria provided, single submitter. Criteria: ACMG Guidelines, 2015. Collection method: clinical testing. Allele origin: germline.

Ambry Genetics
Classification: Likely benign for Inborn genetic diseases. Last evaluated: 2017-07-27. Review status: criteria provided, single submitter. Criteria: Ambry Variant Classification Scheme 2023. Collection method: clinical testing. Allele origin: germline.

GeneDx
Classification: Benign. Last evaluated: 2014-06-18. Review status: criteria provided, single submitter. Criteria: GeneDx Variant Classification (06012015). Collection method: clinical testing. Allele origin: germline. Affected: yes.
Comment: This variant is considered likely benign or benign based on one or more of the following criteria: it is a conservative change, it occurs at a poorly conserved position in the protein, it is predicted to be benign by multiple in silico algorithms, and/or has population frequency not consistent with disease.